The following is an entry in ClinVar:

NM_001099287.2(NIPAL4):c.426-7C>G

Gene: NIPAL4 (NIPA like domain containing 4; plus strand). Cytogenetic location: 5q33.3.
Variant type: single nucleotide variant.
Coding change: c.426-7C>G on transcript NM_001099287.2 (MANE Select); 7 bases into the intron before coding-DNA position 426, C replaced by G.
Molecular consequence: intron variant.
Genome position (GRCh38, 1-based): chr5:157,471,650, C>G. VCF-style: chr5-157471650-C-G. GRCh37 (hg19) VCF-style: chr5-156898658-C-G.
Other names: c.369-7C>G (NM_001172292.2).
Identifiers: ClinVar variation 4690276 (VCV004690276.1).

ClinVar aggregate classification (germline): Uncertain significance (1 of 4 stars; one submission).

Conditions:
Ichthyosis and erythrokeratoderma.

Submission:

Genetics Laboratory, Great Ormond Street Hospital NHS Foundation Trust, North Thames Genomic Laboratory Hub
Classification: Uncertain significance for Ichthyosis and erythrokeratoderma. Last evaluated: 2025-12-08. Review status: criteria provided, single submitter. Criteria: ACGS Best Practice Guidelines for Variant Classification in Rare Disease 2024 v1.2. Collection method: clinical testing. Allele origin: germline. Affected: yes.
Comment: PM2_moderate, PP3_supporting, PM3_supporting, PP4_supporting